The following is an entry in ClinVar:

ClinVar aggregate classification (germline): Uncertain significance (1 of 4 stars; one submission).

Conditions:
Charcot-Marie-Tooth disease, type I (CMT1). Also called: Charcot-Marie-Tooth disease type 1; Charcot-Marie-Tooth, Type 1. Identifiers: Orphanet 65753, MedGen C0751036, MONDO:0019011.

Allele frequency attached by ClinVar (database versions not stated): gnomAD 0.00001; TOPMed 0.00001; ExAC 0.00002; gnomAD exomes 0.00002.
gnomAD v4.1: 56 of 1,614,096 alleles (0.0035%); highest among the groups gnomAD compares: Non-Finnish European, 0.0047%; no homozygotes.

Submission:

Labcorp Genetics (formerly Invitae), Labcorp
Classification: Uncertain significance for Charcot-Marie-Tooth disease, type I. Last evaluated: 2023-01-03. Review status: criteria provided, single submitter. Criteria: Invitae Variant Classification Sherloc (09022015). Collection method: clinical testing. Allele origin: germline.
Comment: This variant has not been reported in the literature in individuals affected with EGR2-related conditions. This sequence change replaces isoleucine, which is neutral and non-polar, with asparagine, which is neutral and polar, at codon 25 of the EGR2 protein (p.Ile25Asn). This variant is present in population databases (rs763131472, gnomAD 0.003%). ClinVar contains an entry for this variant (Variation ID: 583384). Advanced modeling of protein sequence and biophysical properties (such as structural, functional, and spatial information, amino acid conservation, physicochemical variation, residue mobility, and thermodynamic stability) performed at Invitae indicates that this missense variant is not expected to disrupt EGR2 protein function. In summary, the available evidence is currently insufficient to determine the role of this variant in disease. Therefore, it has been classified as a Variant of Uncertain Significance.

NM_000399.5(EGR2):c.74T>A (p.Ile25Asn)

Gene: EGR2 (early growth response 2; minus strand). Cytogenetic location: 10q21.3.
Variant type: single nucleotide variant.
Coding change: c.74T>A on transcript NM_000399.5 (MANE Select); coding-DNA position 74, T replaced by A.
Protein change: p.Ile25Asn; replaces isoleucine 25 with asparagine.
Molecular consequence: missense variant. On other transcripts: 5 prime UTR variant (2).
Genome position (GRCh38, 1-based): chr10:62,815,956, A>T on the plus strand (T>A on the coding strand, the complement: EGR2 is on the minus strand). VCF-style: chr10-62815956-A-T. GRCh37 (hg19) VCF-style: chr10-64575716-A-T.
Other names: c.74T>A, p.Ile25Asn (NM_001136177.3, NM_001136178.2); c.-77T>A (NM_001136179.3, NM_001321037.2); short protein forms I25N.
Identifiers: ClinVar variation 583384 (VCV000583384.8), dbSNP rs763131472, ClinGen allele CA5517344.
Genomic context (GRCh38, chr10:62,815,956, plus strand): 5'-CCCAGTTCGGCATTGGGAAAGATGGTCACCGACGTGGCGGCGAGGTCCTCCACCGGGTAG[A>T]TGTTGTCAGACAGCTGGTGCACAAAACCACTGAGAGTTACTGGGATTTTGTCTACGGCCT-3'
Protein context (NP_000390.2, residues 15-35): SGFVHQLSDN[Ile25Asn]YPVEDLAATS